The following is an entry in ClinVar:

ClinVar aggregate classification (germline): Uncertain significance. Review status: criteria provided, multiple submitters, no conflicts (2 of 4 stars). 3 submissions from 3 submitters: Uncertain significance (3). Last evaluated 2026-03-10.

Conditions:
INPP5E-related disorder. Also called: INPP5E-related condition.
Joubert syndrome. Also called: Familial aplasia of the vermis; JOUBERT-BOLTSHAUSER SYNDROME. Identifiers: Orphanet 475, MedGen C5979921, MONDO:0018772.

gnomAD v4.1: 10 of 1,551,660 alleles (0.00064%); highest among the groups gnomAD compares: Middle Eastern, 0.017%; no homozygotes.

Submissions (3):

PreventionGenetics, part of Exact Sciences
Classification: Uncertain significance for INPP5E-related condition. Last evaluated: 2026-03-10. Review status: criteria provided, single submitter. Criteria: ACMG Guidelines, 2015. Collection method: clinical testing. Allele origin: germline.
Comment: The INPP5E c.1775G>A variant is predicted to result in the amino acid substitution p.Arg592Gln. This variant was reported in an individual with Myelomeningocele (Table S3, Au et al. 2021. PubMed ID: 33574475). This variant is reported in 0.0044% of alleles in individuals of South Asian descent in gnomAD. At this time, the clinical significance of this variant is uncertain due to the absence of conclusive functional and genetic evidence.

Blueprint Genetics
Classification: Uncertain significance. Last evaluated: 2024-06-13. Review status: criteria provided, single submitter. Criteria: ACMG Guidelines, 2015. Collection method: clinical testing. Allele origin: germline.

Labcorp Genetics (formerly Invitae), Labcorp
Classification: Uncertain significance for Joubert syndrome. Last evaluated: 2022-08-19. Review status: criteria provided, single submitter. Criteria: Invitae Variant Classification Sherloc (09022015). Collection method: clinical testing. Allele origin: germline.
Comment: This sequence change replaces arginine, which is basic and polar, with glutamine, which is neutral and polar, at codon 592 of the INPP5E protein (p.Arg592Gln). This variant is present in population databases (no rsID available, gnomAD 0.004%). This variant has not been reported in the literature in individuals affected with INPP5E-related conditions. Advanced modeling of protein sequence and biophysical properties (such as structural, functional, and spatial information, amino acid conservation, physicochemical variation, residue mobility, and thermodynamic stability) performed at Invitae indicates that this missense variant is not expected to disrupt INPP5E protein function. Algorithms developed to predict the effect of sequence changes on RNA splicing suggest that this variant may create or strengthen a splice site. In summary, the available evidence is currently insufficient to determine the role of this variant in disease. Therefore, it has been classified as a Variant of Uncertain Significance.

NM_019892.6(INPP5E):c.1775G>A (p.Arg592Gln)

Gene: INPP5E (inositol polyphosphate-5-phosphatase E; minus strand). Cytogenetic location: 9q34.3.
Variant type: single nucleotide variant.
Coding change: c.1775G>A on transcript NM_019892.6 (MANE Select); coding-DNA position 1775, G replaced by A.
Protein change: p.Arg592Gln; replaces arginine 592 with glutamine.
Molecular consequence: missense variant.
Genome position (GRCh38, 1-based): chr9:136,430,304, C>T on the plus strand (G>A on the coding strand, the complement: INPP5E is on the minus strand). VCF-style: chr9-136430304-C-T. GRCh37 (hg19) VCF-style: chr9-139324756-C-T.
Other names: c.1775G>A (NM_019892.5); c.1772G>A, p.Arg591Gln (NM_001318502.2); short protein forms R592Q, R591Q.
Identifiers: ClinVar variation 1966420 (VCV001966420.7), dbSNP rs1338062785, ClinGen allele CA375561143.